The following is an entry in ClinVar:

NM_198271.5(LMOD3):c.17G>C (p.Arg6Thr)

Genes: LMOD3 (leiomodin 3; minus strand), LOC126806710 (CDK7 strongly-dependent group 2 enhancer GRCh37_chr3:69170601-69171800; plus strand). Cytogenetic location: 3p14.1.
Variant type: single nucleotide variant.
Coding change: c.17G>C on transcript NM_198271.5 (MANE Select); coding-DNA position 17, G replaced by C.
Protein change: p.Arg6Thr; replaces arginine 6 with threonine.
Molecular consequence: missense variant.
Genome position (GRCh38, 1-based): chr3:69,122,370, C>G on the plus strand (G>C on the coding strand, the complement: LMOD3 is on the minus strand). VCF-style: chr3-69122370-C-G. GRCh37 (hg19) VCF-style: chr3-69171521-C-G.
Other names: c.17G>C, p.Arg6Thr (NM_001304418.3); short protein forms R6T.
Identifiers: ClinVar variation 1394361 (VCV001394361.6), dbSNP rs1185485203, ClinGen allele CA353479979.

ClinVar aggregate classification (germline): Uncertain significance (1 of 4 stars; one submission).

Conditions:
Nemaline myopathy 10 (NEM10). Identifiers: MedGen C4015360, MONDO:0014513, OMIM 616165.

Allele frequency attached by ClinVar (database versions not stated): gnomAD exomes below 0.00001.
gnomAD v4.1: 2 of 1,603,418 alleles (0.00012%); highest among the groups gnomAD compares: Non-Finnish European, 0.00017%; no homozygotes.

Submission:

Labcorp Genetics (formerly Invitae), Labcorp
Classification: Uncertain significance for Nemaline myopathy 10. Last evaluated: 2026-01-27. Review status: criteria provided, single submitter. Criteria: Invitae Variant Classification Sherloc (09022015). Collection method: clinical testing. Allele origin: germline.
Comment: This sequence change replaces arginine, which is basic and polar, with threonine, which is neutral and polar, at codon 6 of the LMOD3 protein (p.Arg6Thr). The frequency data for this variant in the population databases is considered unreliable, as metrics indicate poor data quality at this position in the gnomAD database. This variant has not been reported in the literature in individuals affected with LMOD3-related conditions. ClinVar contains an entry for this variant (Variation ID: 1394361). An algorithm developed to predict the effect of missense changes on protein structure and function (PolyPhen-2) suggests that this variant is likely to be tolerated. In summary, the available evidence is currently insufficient to determine the role of this variant in disease. Therefore, it has been classified as a Variant of Uncertain Significance.